The following is an entry in ClinVar:

NM_001903.5(CTNNA1):c.190T>G (p.Ser64Ala)

Gene: CTNNA1 (catenin alpha 1; plus strand). Cytogenetic location: 5q31.2.
Variant type: single nucleotide variant.
Coding change: c.190T>G on transcript NM_001903.5 (MANE Select); coding-DNA position 190, T replaced by G.
Protein change: p.Ser64Ala; replaces serine 64 with alanine.
Molecular consequence: missense variant. On other transcripts: 5 prime UTR variant (1), intron variant (1).
Genome position (GRCh38, 1-based): chr5:138,783,261, T>G. VCF-style: chr5-138783261-T-G. GRCh37 (hg19) VCF-style: chr5-138118950-T-G.
Other names: c.190T>G, p.Ser64Ala (NM_001290307.3, NM_001323982.2, NM_001323983.1 and 3 more transcripts); c.-17T>G (NM_001290310.3); c.-9+1232T>G (NM_001290309.3); short protein forms S64A.
Identifiers: ClinVar variation 1062206 (VCV001062206.10), dbSNP rs867244371, ClinGen allele CA128716556.

ClinVar aggregate classification (germline): Uncertain significance. Review status: criteria provided, multiple submitters, no conflicts (2 of 4 stars). 2 submissions from 2 submitters: Uncertain significance (2). Last evaluated 2024-05-09.

Allele frequency attached by ClinVar (database versions not stated): gnomAD exomes 0.00001.
gnomAD v4.1: 4 of 1,614,174 alleles (0.00025%); highest among the groups gnomAD compares: Middle Eastern, 0.066%; no homozygotes.

Submissions (2):

Labcorp Genetics (formerly Invitae), Labcorp
Classification: Uncertain significance. Last evaluated: 2024-05-09. Review status: criteria provided, single submitter. Criteria: Invitae Variant Classification Sherloc (09022015). Collection method: clinical testing. Allele origin: germline.
Comment: This sequence change replaces serine, which is neutral and polar, with alanine, which is neutral and non-polar, at codon 64 of the CTNNA1 protein (p.Ser64Ala). This variant is not present in population databases (gnomAD no frequency). This variant has not been reported in the literature in individuals affected with CTNNA1-related conditions. ClinVar contains an entry for this variant (Variation ID: 1062206). Advanced modeling of protein sequence and biophysical properties (such as structural, functional, and spatial information, amino acid conservation, physicochemical variation, residue mobility, and thermodynamic stability) performed at Invitae indicates that this missense variant is not expected to disrupt CTNNA1 protein function with a negative predictive value of 80%. RNA analysis performed to evaluate the impact of this missense change on mRNA splicing indicates it does not significantly alter splicing (Invitae). In summary, the available evidence is currently insufficient to determine the role of this variant in disease. Therefore, it has been classified as a Variant of Uncertain Significance.

Blueprint Genetics
Classification: Uncertain significance. Last evaluated: 2023-12-27. Review status: criteria provided, single submitter. Criteria: ACMG Guidelines, 2015. Collection method: clinical testing. Allele origin: germline.